The following is an entry in ClinVar:

NM_004863.4(SPTLC2):c.*2699C>A

Gene: SPTLC2 (serine palmitoyltransferase long chain base subunit 2; minus strand). Cytogenetic location: 14q24.3.
Variant type: single nucleotide variant.
Coding change: c.*2699C>A on transcript NM_004863.4 (MANE Select); 2699 bases downstream of the stop codon, C replaced by A.
Molecular consequence: 3 prime UTR variant.
Genome position (GRCh38, 1-based): chr14:77,509,585, G>T on the plus strand (C>A on the coding strand, the complement: SPTLC2 is on the minus strand). VCF-style: chr14-77509585-G-T. GRCh37 (hg19) VCF-style: chr14-77975928-G-T.
Identifiers: ClinVar variation 314623 (VCV000314623.6), dbSNP rs142877874, ClinGen allele CA10635422.

ClinVar aggregate classification (germline): Benign. Review status: criteria provided, multiple submitters, no conflicts (2 of 4 stars). 2 submissions from 2 submitters: Benign (2). Last evaluated 2018-01-13.

Conditions:
Neuropathy, hereditary sensory and autonomic, type 1C. Also called: HSAN IC; HSN IC. Identifiers: Orphanet 36386, MedGen C3150896, MONDO:0013337, OMIM 613640.

Allele frequency attached by ClinVar (database versions not stated): 1000 Genomes Project 0.00319; 1000 Genomes Project 30x 0.00375; gnomAD 0.00475 and 0.00479; TOPMed 0.00561; gnomAD exomes 0.00692.
gnomAD v4.1: 1,641 of 277,818 alleles (0.59%); highest among the groups gnomAD compares: Middle Eastern, 1.8%; 9 homozygotes.

Submissions (2):

Illumina Laboratory Services, Illumina
Classification: Benign for Neuropathy, hereditary sensory and autonomic, type 1C. Last evaluated: 2018-01-13. Review status: criteria provided, single submitter. Criteria: ICSL Variant Classification Criteria 13 December 2019. Collection method: clinical testing. Allele origin: germline.
Comment: This variant was observed in the ICSL laboratory as part of a predisposition screen in an ostensibly healthy population. It had not been previously curated by ICSL or reported in the Human Gene Mutation Database (HGMD: prior to June 1st, 2018), and was therefore a candidate for classification through an automated scoring system. Utilizing variant allele frequency, disease prevalence and penetrance estimates, and inheritance mode, an automated score was calculated to assess if this variant is too frequent to cause the disease. Based on the score and internal cut-off values, a variant classified as benign is not then subjected to further curation. The score for this variant resulted in a classification of benign for this disease.

Breakthrough Genomics
Classification: Benign. Review status: criteria provided, single submitter. Criteria: ACMG Guidelines, 2015. Collection method: not provided. Allele origin: germline. Inheritance: Autosomal dominant inheritance. Affected: yes.